The following is an entry in ClinVar:

NM_213599.3(ANO5):c.2586_2596del (p.Ile865fs)

Gene: ANO5 (anoctamin 5; plus strand). Cytogenetic location: 11p14.3.
Variant type: Deletion.
Coding change: c.2586_2596del on transcript NM_213599.3 (MANE Select); coding-DNA positions 2586 to 2596, 11 bases deleted (GGAGAGAATCA).
Protein change: p.Ile865fs; shifts the reading frame from isoleucine 865.
Molecular consequence: frameshift variant.
Genome position (GRCh38, 1-based): chr11:22,279,609-22,279,619, GGAGAGAATCA deleted. VCF-style (leftmost placement, unchanged base first): chr11-22279608-TGGAGAGAATCA-T. GRCh37 (hg19) VCF-style: chr11-22301154-TGGAGAGAATCA-T.
Other names: c.2583_2593del, p.Ile864fs (NM_001142649.2); c.2544_2554del, p.Ile851fs (NM_001410963.1); c.2541_2551del, p.Ile850fs (NM_001410964.1); c.2508_2518del, p.Ile839fs (NM_001441294.1); c.2505_2515del, p.Ile838fs (NM_001441295.1); c.2493_2503del, p.Ile834fs (NM_001441296.1); c.2466_2476del, p.Ile825fs (NM_001441297.1); c.2430_2440del, p.Ile813fs (NM_001441298.1); and 4 more; short protein forms I703fs, I851fs, I838fs, I839fs, I864fs, I825fs, I719fs, I720fs.
Identifiers: ClinVar variation 4791961 (VCV004791961.1).
Genomic context (GRCh38, chr11:22,279,608, plus strand): 5'-TTGTGTTTTTAGTTAAATTTTTGCTGGCCTGGATGATACCTGATGTTCCAAAAGATGTTG[TGGAGAGAATCA>T]AGAGAGAAAAGTTAATGACTATCAAGATTCTCCATGATTTTGAGCTCAACAAATTAAAAG-3'

ClinVar aggregate classification (germline): Uncertain significance (1 of 4 stars; one submission).

Conditions:
Gnathodiaphyseal dysplasia (GDD). Also called: GNATHODIAPHYSEAL SCLEROSIS; OSTEOGENESIS IMPERFECTA WITH UNUSUAL SKELETAL LESIONS. Identifiers: Orphanet 53697, MedGen C1833736, MONDO:0008151, OMIM 166260.
Autosomal recessive limb-girdle muscular dystrophy type 2L (LGMDR12). Also called: Limb-girdle muscular dystrophy, type 2L; MUSCULAR DYSTROPHY, LIMB-GIRDLE, AUTOSOMAL RECESSIVE 12; Limb-Girdle Muscular Dystrophy R12 Anoctamin-5-Related (LGMD-R12). Identifiers: Orphanet 206549, MedGen C1969785, MONDO:0012652, OMIM 611307.

Submission:

Labcorp Genetics (formerly Invitae), Labcorp
Classification: Uncertain significance for Autosomal recessive limb-girdle muscular dystrophy type 2L; Gnathodiaphyseal dysplasia. Last evaluated: 2025-07-02. Review status: criteria provided, single submitter. Criteria: Invitae Variant Classification Sherloc (09022015). Collection method: clinical testing. Allele origin: germline.
Comment: This sequence change creates a premature translational stop signal (p.Ile865Lysfs*10) in the ANO5 gene. While this is not anticipated to result in nonsense mediated decay, it is expected to disrupt the last 49 amino acid(s) of the ANO5 protein. This variant is not present in population databases (gnomAD no frequency). This premature translational stop signal has been observed in individual(s) with distal myopathy (internal data). In at least one individual the data is consistent with being in trans (on the opposite chromosome) from a pathogenic variant. Experimental studies and prediction algorithms are not available or were not evaluated, and the functional significance of this variant is currently unknown. Algorithms developed to predict the effect of sequence changes on RNA splicing suggest that this variant may disrupt the consensus splice site. In summary, the available evidence is currently insufficient to determine the role of this variant in disease. Therefore, it has been classified as a Variant of Uncertain Significance.